The following is an entry in ClinVar:

NM_001852.4(COL9A2):c.1435C>T (p.Pro479Ser)

Gene: COL9A2 (collagen type IX alpha 2 chain; minus strand). Cytogenetic location: 1p34.2.
Variant type: single nucleotide variant.
Coding change: c.1435C>T on transcript NM_001852.4 (MANE Select); coding-DNA position 1435, C replaced by T.
Protein change: p.Pro479Ser; replaces proline 479 with serine.
Molecular consequence: missense variant.
Genome position (GRCh38, 1-based): chr1:40,303,643, G>A on the plus strand (C>T on the coding strand, the complement: COL9A2 is on the minus strand). VCF-style: chr1-40303643-G-A. GRCh37 (hg19) VCF-style: chr1-40769315-G-A.
Other names: short protein forms P479S.
Identifiers: ClinVar variation 2181164 (VCV002181164.4), dbSNP rs1333864263, ClinGen allele CA339878698.
Genomic context (GRCh38, chr1:40,303,643, plus strand): 5'-CTCGAGGGCCGGGGGGACCAGGGTAGCCCTGAACCCCTGGGGCGCCCGCATCCCCGCTGG[G>A]GCCAGGGTAGCCGGGTTCTCCACGTACTCCTTGCTGCGGGGGGATGGGGGTGGGAGCAGA-3'
Protein context (NP_001843.1, residues 469-489): GVRGEPGYPG[Pro479Ser]SGDAGAPGVQ

ClinVar aggregate classification (germline): Uncertain significance (1 of 4 stars; one submission).

Allele frequency attached by ClinVar (database versions not stated): TOPMed 0.00001.

Submission:

Labcorp Genetics (formerly Invitae), Labcorp
Classification: Uncertain significance. Last evaluated: 2022-04-01. Review status: criteria provided, single submitter. Criteria: Invitae Variant Classification Sherloc (09022015). Collection method: clinical testing. Allele origin: germline.
Comment: In summary, the available evidence is currently insufficient to determine the role of this variant in disease. Therefore, it has been classified as a Variant of Uncertain Significance. Advanced modeling of protein sequence and biophysical properties (such as structural, functional, and spatial information, amino acid conservation, physicochemical variation, residue mobility, and thermodynamic stability) performed at Invitae indicates that this missense variant is not expected to disrupt COL9A2 protein function. This variant has not been reported in the literature in individuals affected with COL9A2-related conditions. This variant is not present in population databases (gnomAD no frequency). This sequence change replaces proline, which is neutral and non-polar, with serine, which is neutral and polar, at codon 479 of the COL9A2 protein (p.Pro479Ser).